The following is an entry in ClinVar:

NM_080732.4(EGLN2):c.1025C>T (p.Pro342Leu)

Genes: EGLN2 (egl-9 family hypoxia inducible factor 2; plus strand), RAB4B-EGLN2 (RAB4B-EGLN2 readthrough (NMD candidate); plus strand). Cytogenetic location: 19q13.2.
Variant type: single nucleotide variant.
Coding change: c.1025C>T on transcript NM_080732.4 (MANE Select); coding-DNA position 1025, C replaced by T.
Protein change: p.Pro342Leu; replaces proline 342 with leucine.
Molecular consequence: missense variant. On other transcripts: non-coding transcript variant (1).
Genome position (GRCh38, 1-based): chr19:40,807,199, C>T. VCF-style: chr19-40807199-C-T. GRCh37 (hg19) VCF-style: chr19-41313104-C-T.
Other names: c.1025C>T, p.Pro342Leu (NM_053046.4); short protein forms P342L.
Identifiers: ClinVar variation 3228975 (VCV003228975.1), dbSNP rs1599763697, ClinGen allele CA405956516.

ClinVar aggregate classification (germline): Uncertain significance (1 of 4 stars; one submission).

Submission:

Ambry Genetics
Classification: Uncertain significance. Last evaluated: 2023-11-06. Review status: criteria provided, single submitter. Criteria: Ambry Variant Classification Scheme 2023. Collection method: clinical testing. Allele origin: germline.
Comment: The p.P342L variant (also known as c.1025C>T), located in coding exon 3 of the EGLN2 gene, results from a C to T substitution at nucleotide position 1025. The proline at codon 342 is replaced by leucine, an amino acid with similar properties. This amino acid position is conserved. In addition, this alteration is predicted to be deleterious by in silico analysis. Since supporting evidence is limited at this time, the clinical significance of this alteration remains unclear.